The following is an entry in ClinVar:

ClinVar aggregate classification (germline): Pathogenic/Likely pathogenic. Review status: criteria provided, multiple submitters, no conflicts (2 of 4 stars). 4 submissions from 4 submitters: Pathogenic (3); Likely pathogenic (1). Last evaluated 2025-09-03.

Conditions:
Cardiovascular phenotype. Identifiers: MedGen CN230736.
Hereditary cancer-predisposing syndrome. Also called: Tumor predisposition; Neoplastic Syndromes, Hereditary; Hereditary Cancer Syndrome; Hereditary neoplastic syndrome. Identifiers: Orphanet 140162, MedGen C0027672, MeSH D009386, MONDO:0015356.
Neurofibromatosis, type 1 (NF1). Also called: NEUROFIBROMATOSIS, TYPE I, SOMATIC; VON RECKLINGHAUSEN DISEASE; Neurofibromatosis, type I; Peripheral type neurofibromatosis. Identifiers: Orphanet 636, MedGen C0027831, MONDO:0018975, OMIM 162200. Disease mechanism: loss of function.

Submissions (4):

GeneDx
Classification: Pathogenic. Last evaluated: 2025-09-03. Review status: criteria provided, single submitter. Criteria: GeneDx Variant Classification Process June 2021. Collection method: clinical testing. Allele origin: germline. Affected: yes.
Comment: Not observed at significant frequency in large population cohorts (gnomAD); In silico analysis supports that this missense variant has a deleterious effect on protein structure/function; This variant is associated with the following publications: (PMID: 23656349, 31766501, 27322474)

Labcorp Genetics (formerly Invitae), Labcorp
Classification: Pathogenic for Neurofibromatosis, type 1. Last evaluated: 2025-08-18. Review status: criteria provided, single submitter. Criteria: Invitae Variant Classification Sherloc (09022015). Collection method: clinical testing. Allele origin: germline.
Comment: This sequence change replaces leucine, which is neutral and non-polar, with proline, which is neutral and non-polar, at codon 1894 of the NF1 protein (p.Leu1894Pro). This variant is not present in population databases (gnomAD no frequency). This missense change has been observed in individual(s) with clinical features of neurofibromatosis type 1 (PMID: 31766501; internal data). In at least one individual the variant was observed to be de novo. Invitae Evidence Modeling of clinical and family history, age, sex, and reported ancestry of multiple individuals with this NF1 variant has been performed. This variant is expected to be pathogenic with a positive predictive value of at least 99%. This is a validated machine learning model that incorporates the clinical features of 1,785,918 individuals referred to our laboratory for NF1 testing. ClinVar contains an entry for this variant (Variation ID: 485963). Invitae Evidence Modeling of protein sequence and biophysical properties (such as structural, functional, and spatial information, amino acid conservation, physicochemical variation, residue mobility, and thermodynamic stability) indicates that this missense variant is expected to disrupt NF1 protein function with a positive predictive value of 95%. This variant disrupts the p.1894 amino acid residue in NF1. Other variant(s) that disrupt this residue have been observed in individuals with NF1-related conditions (PMID: 27322474), which suggests that this may be a clinically significant amino acid residue. For these reasons, this variant has been classified as Pathogenic.

Ambry Genetics
Classification: Pathogenic for Cardiovascular phenotype; Hereditary cancer-predisposing syndrome. Last evaluated: 2024-08-06. Review status: criteria provided, single submitter. Criteria: Ambry Variant Classification Scheme 2023. Collection method: clinical testing. Allele origin: germline.
Comment: The p.L1894P pathogenic mutation (also known as c.5681T>C), located in coding exon 38 of the NF1 gene, results from a T to C substitution at nucleotide position 5681. The leucine at codon 1894 is replaced by proline, an amino acid with similar properties. This variant was reported in multiple individuals with features consistent with neurofibromatosis type 1 (Melloni G et al. Cancers (Basel). 2019 Nov;11:; Ambry internal data). This alteration was reported as a de novo alteration in a cohort of 1895 patients who were referred for NF1 testing in the Netherlands; however, specific information about the carrier(s) of this alteration was not provided (van Minkelen R et al. Clin. Genet. 2014 Apr;85:318-27). This amino acid position is highly conserved in available vertebrate species. In addition, this alteration is predicted to be deleterious by in silico analysis. This variant is considered to be rare based on population cohorts in the Genome Aggregation Database (gnomAD). Based on the majority of available evidence to date, this variant is likely to be pathogenic.

Genome-Nilou Lab
Classification: Likely pathogenic for Neurofibromatosis, type 1. Last evaluated: 2022-03-15. Review status: criteria provided, single submitter. Criteria: ACMG Guidelines, 2015. Collection method: clinical testing. Allele origin: germline. Affected: no.

Literature cited by the submitters: PubMed 31766501 (cited by Labcorp Genetics (formerly Invitae), Labcorp and Ambry Genetics); PubMed 27322474 (cited by Labcorp Genetics (formerly Invitae), Labcorp); PubMed 23656349 (cited by Ambry Genetics).

NM_001042492.3(NF1):c.5744T>C (p.Leu1915Pro)

Gene: NF1 (neurofibromin 1; plus strand). Cytogenetic location: 17q11.2.
Variant type: single nucleotide variant.
Coding change: c.5744T>C on transcript NM_001042492.3 (MANE Select); coding-DNA position 5744, T replaced by C.
Protein change: p.Leu1915Pro; replaces leucine 1915 with proline.
Molecular consequence: missense variant.
Genome position (GRCh38, 1-based): chr17:31,330,430, T>C. VCF-style: chr17-31330430-T-C. GRCh37 (hg19) VCF-style: chr17-29657448-T-C.
Other names: c.5681T>C, p.Leu1894Pro (NM_000267.4); short protein forms L1915P, L1894P.
Identifiers: ClinVar variation 485963 (VCV000485963.17), dbSNP rs1555533875, ClinGen allele CA399010381.